The following is an entry in ClinVar:

NM_053004.3(GNB1L):c.170G>A (p.Arg57Gln)

Gene: GNB1L (G protein subunit beta 1 like; minus strand). Cytogenetic location: 22q11.21.
Variant type: single nucleotide variant.
Coding change: c.170G>A on transcript NM_053004.3 (MANE Select); coding-DNA position 170, G replaced by A.
Protein change: p.Arg57Gln; replaces arginine 57 with glutamine.
Molecular consequence: missense variant.
Genome position (GRCh38, 1-based): chr22:19,820,682, C>T on the plus strand (G>A on the coding strand, the complement: GNB1L is on the minus strand). VCF-style: chr22-19820682-C-T. GRCh37 (hg19) VCF-style: chr22-19808205-C-T.
Other names: short protein forms R57Q.
Identifiers: ClinVar variation 379834 (VCV000379834.3), dbSNP rs150444079, ClinGen allele CA10103262.
Genomic context (GRCh38, chr22:19,820,682, plus strand): 5'-AGCGTCTGCAGCCAGGTCACACACTGGCCGCCGTGGCCATCCAGGGTGGTAACCGCTCTC[C>T]GCGTCTGCAGGCTCCAGATGTGTACCAGGCCACTCTGAGACCTGTTTCAGACAAGCCGAG-3'
Protein context (NP_443730.1, residues 47-67): GLVHIWSLQT[Arg57Gln]RAVTTLDGHG

ClinVar aggregate classification (germline): Likely benign. Review status: criteria provided, single submitter (1 of 4 stars). 2 submissions from 2 submitters: Likely benign (1). 1 of the submissions does not count toward it. Last evaluated 2015-06-09.

Conditions:
GNB1L-related disorder. Also called: GNB1L-related condition.

Allele frequency attached by ClinVar (database versions not stated): gnomAD exomes 0.00011 and 0.00031; ExAC 0.00040; ESP Exome Variant Server 0.00100; gnomAD 0.00107 and 0.00115; TOPMed 0.00108; 1000 Genomes Project 30x 0.00109; 1000 Genomes Project 0.00120.

Submissions (2):

GeneDx
Classification: Likely benign. Last evaluated: 2015-06-09. Review status: criteria provided, single submitter. Criteria: GeneDx Variant Classification (06012015). Collection method: clinical testing. Allele origin: germline. Affected: yes.
Comment: This variant is considered likely benign or benign based on one or more of the following criteria: it is a conservative change, it occurs at a poorly conserved position in the protein, it is predicted to be benign by multiple in silico algorithms, and/or has population frequency not consistent with disease.

PreventionGenetics, part of Exact Sciences
Classification: Likely benign for GNB1L-related condition. Last evaluated: 2019-07-29. Review status: no assertion criteria provided. Collection method: clinical testing. Allele origin: germline. Not counted in ClinVar's aggregate classification.
Comment: This variant is classified as likely benign based on ACMG/AMP sequence variant interpretation guidelines (Richards et al. 2015 PMID: 25741868, with internal and published modifications).